The following is an entry in ClinVar:

NM_198578.4(LRRK2):c.7147C>T (p.Leu2383Phe)

Gene: LRRK2 (leucine rich repeat kinase 2; plus strand). Cytogenetic location: 12q12.
Variant type: single nucleotide variant.
Coding change: c.7147C>T on transcript NM_198578.4 (MANE Select); coding-DNA position 7147, C replaced by T.
Protein change: p.Leu2383Phe; replaces leucine 2383 with phenylalanine.
Molecular consequence: missense variant.
Genome position (GRCh38, 1-based): chr12:40,363,520, C>T. VCF-style: chr12-40363520-C-T. GRCh37 (hg19) VCF-style: chr12-40757322-C-T.
Other names: short protein forms L2383F.
Identifiers: ClinVar variation 2587289 (VCV002587289.2), dbSNP rs751040205, ClinGen allele CA384413530.

ClinVar aggregate classification (germline): Uncertain significance (1 of 4 stars; one submission).

Conditions:
Inborn genetic diseases. Identifiers: MedGen C0950123, MeSH D030342.

Submission:

Ambry Genetics
Classification: Uncertain significance for Inborn genetic diseases. Last evaluated: 2023-08-25. Review status: criteria provided, single submitter. Criteria: Ambry Variant Classification Scheme 2023. Collection method: clinical testing. Allele origin: germline.
Comment: The p.L2383F variant (also known as c.7147C>T), located in coding exon 48 of the LRRK2 gene, results from a C to T substitution at nucleotide position 7147. The leucine at codon 2383 is replaced by phenylalanine, an amino acid with highly similar properties. This amino acid position is conserved. In addition, this alteration is predicted to be tolerated by in silico analysis. Since supporting evidence is limited at this time, the clinical significance of this alteration remains unclear.